The following is an entry in ClinVar:

ClinVar aggregate classification (germline): no classifications from unflagged records (0 of 4 stars; one submission).

Submission:

Prenatal Diagnosis Center, Urumqi Maternal and Child Health Care Hospital
Classification: Uncertain significance. Review status: flagged submission. Criteria: ACMG/ClinGen CNV Guidelines, 2019. Collection method: clinical testing. Allele origin: unknown.
ClinVar note: Notes: This submission was flagged because its interpretation of this variant conflicts with the ClinGen Gene Dosage Map curation for the gene STS.
ClinVar note: Reason: Conflict with ClinGen Gene Dosage Map

GRCh37/hg19 Xp22.31(chrX:6455152-8135568)x1

Genes: PNPLA4 (patatin like domain 4, phospholipase and triacylglycerol lipase; minus strand), PUDP (pseudouridine 5'-phosphatase; minus strand), STS (steroid sulfatase; plus strand), VCX (variable charge X-linked; plus strand). Cytogenetic location: Xp22.31.
Variant type: copy number loss.
Change: copy number 1 of chrX:6,455,152-8,135,568 (1.68 Mb, GRCh37 coordinates, 1-based), cytogenetic band Xp22.31.
Identifiers: ClinVar variation 3148945 (VCV003148945.2).